The following is an entry in ClinVar:

NM_001358235.2(DCHS2):c.7851T>C (p.Leu2617=)

Genes: DCHS2 (dachsous cadherin-related 2; minus strand), DCHS2-AS1 (DCHS2 antisense RNA 1; plus strand). Cytogenetic location: 4q31.3.
Variant type: single nucleotide variant.
Coding change: c.7851T>C on transcript NM_001358235.2 (MANE Select); coding-DNA position 7851, T replaced by C.
Protein change: p.Leu2617=; no amino-acid change (leucine 2617 retained).
Molecular consequence: synonymous variant.
Genome position (GRCh38, 1-based): chr4:154,236,801, A>G on the plus strand (T>C on the coding strand, the complement: DCHS2 is on the minus strand). VCF-style: chr4-154236801-A-G. GRCh37 (hg19) VCF-style: chr4-155157953-A-G.
Identifiers: ClinVar variation 3040192 (VCV003040192.2), dbSNP rs114377700, ClinGen allele CA3112027.
Genomic context (GRCh38, chr4:154,236,801, plus strand): 5'-TGCCAGAATGACAAGCTCATGGCTAGCACTTGCTTCTCTGTCCAGACTGTGAAGCAACAC[A>G]AGATAACCGACTTGCTTATAAGGATATTCTGAATGAAAGAACTTAGTTTCCACATGAAAA-3'
Protein context (NP_001345164.1, residues 2607-2627): SEYPYKQVGY[Leu2617=]VLLHSLDREA

ClinVar aggregate classification (germline): Benign (0 of 4 stars; one submission).

Conditions:
DCHS2-related disorder. Also called: DCHS2-related condition.

Allele frequency attached by ClinVar (database versions not stated): gnomAD exomes 0.00063; ExAC 0.00228; gnomAD 0.00727; 1000 Genomes Project 30x 0.00781; 1000 Genomes Project 0.00799; TOPMed 0.00842; ESP Exome Variant Server 0.00884.
gnomAD v4.1: 2,058 of 1,614,044 alleles (0.13%); highest among the groups gnomAD compares: African/African-American, 2.5%; 28 homozygotes.

Submission:

PreventionGenetics, part of Exact Sciences
Classification: Benign for DCHS2-related condition. Last evaluated: 2019-09-10. Review status: no assertion criteria provided. Collection method: clinical testing. Allele origin: germline.
Comment: This variant is classified as benign based on ACMG/AMP sequence variant interpretation guidelines (Richards et al. 2015 PMID: 25741868, with internal and published modifications).